The following is an entry in ClinVar:

ClinVar aggregate classification (germline): Uncertain significance (0 of 4 stars; one submission).

Conditions:
CIC-related disorder. Also called: CIC-related condition.

Submission:

PreventionGenetics, part of Exact Sciences
Classification: Uncertain significance for CIC-related condition. Last evaluated: 2024-07-18. Review status: no assertion criteria provided. Collection method: clinical testing. Allele origin: germline.
Comment: The CIC c.890A>T variant is predicted to result in the amino acid substitution p.Glu297Val. To our knowledge, this variant has not been reported in the literature or in a large population database, indicating this variant is rare. At this time, the clinical significance of this variant is uncertain due to the absence of conclusive functional and genetic evidence.

NM_001386298.1(CIC):c.3617A>T (p.Glu1206Val)

Gene: CIC (capicua transcriptional repressor; plus strand). Cytogenetic location: 19q13.2.
Variant type: single nucleotide variant.
Coding change: c.3617A>T on transcript NM_001386298.1 (MANE Select); coding-DNA position 3617, A replaced by T.
Protein change: p.Glu1206Val; replaces glutamic acid 1206 with valine.
Molecular consequence: missense variant.
Genome position (GRCh38, 1-based): chr19:42,287,934, A>T. VCF-style: chr19-42287934-A-T. GRCh37 (hg19) VCF-style: chr19-42792086-A-T.
Other names: c.3617A>T, p.Glu1206Val (NM_001304815.2, NM_001379480.1, NM_001379482.1); c.890A>T, p.Glu297Val (NM_001379484.1, NM_001379485.1, NM_015125.5); short protein forms E1206V, E297V.
Identifiers: ClinVar variation 3345237 (VCV003345237.1).